The following is an entry in ClinVar:

NM_152515.5(CKAP2L):c.273G>A (p.Pro91=)

Gene: CKAP2L (cytoskeleton associated protein 2L; minus strand). Cytogenetic location: 2q14.1.
Variant type: single nucleotide variant.
Coding change: c.273G>A on transcript NM_152515.5 (MANE Select); coding-DNA position 273, G replaced by A.
Protein change: p.Pro91=; no amino-acid change (proline 91 retained).
Molecular consequence: synonymous variant. On other transcripts: 5 prime UTR variant (1), non-coding transcript variant (1).
Genome position (GRCh38, 1-based): chr2:112,757,098, C>T on the plus strand (G>A on the coding strand, the complement: CKAP2L is on the minus strand). VCF-style: chr2-112757098-C-T. GRCh37 (hg19) VCF-style: chr2-113514675-C-T.
Other names: c.-223G>A (NM_001304361.2).
Identifiers: ClinVar variation 2758655 (VCV002758655.17), dbSNP rs201644741, ClinGen allele CA1836870.

ClinVar aggregate classification (germline): Likely benign. Review status: criteria provided, multiple submitters, no conflicts (2 of 4 stars). 3 submissions from 3 submitters: Likely benign (3). Last evaluated 2024-12-01.

Allele frequency attached by ClinVar (database versions not stated): gnomAD 0.00010; TOPMed 0.00014; ESP Exome Variant Server 0.00015; gnomAD exomes 0.00003; ExAC 0.00004.
gnomAD v4.1: 55 of 1,613,976 alleles (0.0034%); highest among the groups gnomAD compares: African/African-American, 0.012%; no homozygotes.

Submissions (3):

CeGaT Center for Human Genetics Tuebingen
Classification: Likely benign. Last evaluated: 2024-12-01. Review status: criteria provided, single submitter. Criteria: CeGaT Center For Human Genetics Tuebingen Variant Classification Criteria Version 2. Collection method: clinical testing. Allele origin: germline. Affected: yes. Observed: 1 variant allele.
Comment: CKAP2L: BP4, BP7

Blueprint Genetics
Classification: Likely benign. Last evaluated: 2024-08-23. Review status: criteria provided, single submitter. Criteria: ACMG Guidelines, 2015. Collection method: clinical testing. Allele origin: germline.

Labcorp Genetics (formerly Invitae), Labcorp
Classification: Likely benign. Last evaluated: 2023-08-30. Review status: criteria provided, single submitter. Criteria: Invitae Variant Classification Sherloc (09022015). Collection method: clinical testing. Allele origin: germline.